The following is an entry in ClinVar:

NM_004656.4(BAP1):c.628A>G (p.Ile210Val)

Gene: BAP1 (BRCA1 associated deubiquitinase 1; minus strand). Cytogenetic location: 3p21.1.
Variant type: single nucleotide variant.
Coding change: c.628A>G on transcript NM_004656.4 (MANE Select); coding-DNA position 628, A replaced by G.
Protein change: p.Ile210Val; replaces isoleucine 210 with valine.
Molecular consequence: missense variant.
Genome position (GRCh38, 1-based): chr3:52,406,860, T>C on the plus strand (A>G on the coding strand, the complement: BAP1 is on the minus strand). VCF-style: chr3-52406860-T-C. GRCh37 (hg19) VCF-style: chr3-52440876-T-C.
Other names: c.628A>G (NM_004656.2); short protein forms I210V.
Identifiers: ClinVar variation 1319077 (VCV001319077.16), dbSNP rs1705177017, ClinGen allele CA353108938.

ClinVar aggregate classification (germline): Uncertain significance. Review status: criteria provided, multiple submitters, no conflicts (2 of 4 stars). 4 submissions from 4 submitters: Uncertain significance (4). Last evaluated 2024-12-17.

Conditions:
Hereditary cancer-predisposing syndrome. Also called: Hereditary neoplastic syndrome; Neoplastic Syndromes, Hereditary; Tumor predisposition; Hereditary Cancer Syndrome. Identifiers: Orphanet 140162, MedGen C0027672, MeSH D009386, MONDO:0015356.
BAP1-related tumor predisposition syndrome (TPDS1). Also called: COMMON Syndrome; Tumor susceptibility linked to germline BAP1 mutations; BAP1 tumor predisposition syndrome; TUMOR PREDISPOSITION SYNDROME 1. Identifiers: Orphanet 289539, MedGen C3280492, MONDO:0013692, OMIM 614327.

Allele frequency attached by ClinVar (database versions not stated): gnomAD exomes below 0.00001.
gnomAD v4.1: 1 of 1,564,440 alleles (0.000064%); highest among the groups gnomAD compares: Non-Finnish European, 0.000087%; no homozygotes.

Submissions (4):

Ambry Genetics
Classification: Uncertain significance for Hereditary cancer-predisposing syndrome. Last evaluated: 2024-12-17. Review status: criteria provided, single submitter. Criteria: Ambry Variant Classification Scheme 2023. Collection method: clinical testing. Allele origin: germline.
Comment: The p.I210V variant (also known as c.628A>G), located in coding exon 8 of the BAP1 gene, results from an A to G substitution at nucleotide position 628. The isoleucine at codon 210 is replaced by valine, an amino acid with highly similar properties. This amino acid position is conserved. In addition, this alteration is predicted to be tolerated by in silico analysis. Based on the available evidence, the clinical significance of this variant remains unclear.

Color Diagnostics, LLC DBA Color Health
Classification: Uncertain significance for Hereditary cancer-predisposing syndrome. Last evaluated: 2024-06-17. Review status: criteria provided, single submitter. Criteria: ACMG Guidelines, 2015. Collection method: clinical testing. Allele origin: germline.
Comment: This missense variant replaces isoleucine with valine at codon 210 of the BAP1 protein. Computational prediction suggests that this variant may not impact protein structure and function (internally defined REVEL score threshold <= 0.5, PMID: 27666373). To our knowledge, functional studies have not been reported for this variant. This variant has not been reported in individuals affected with BAP1-related disorders in the literature. This variant has not been identified in the general population by the Genome Aggregation Database (gnomAD). The available evidence is insufficient to determine the role of this variant in disease conclusively. Therefore, this variant is classified as a Variant of Uncertain Significance.

Institute for Clinical Genetics, University Hospital TU Dresden, University Hospital TU Dresden
Classification: Uncertain significance. Last evaluated: 2021-11-03. Review status: criteria provided, single submitter. Criteria: ACMG Guidelines, 2015. Collection method: clinical testing. Allele origin: germline.

Labcorp Genetics (formerly Invitae), Labcorp
Classification: Uncertain significance for BAP1-related tumor predisposition syndrome. Last evaluated: 2020-01-10. Review status: criteria provided, single submitter. Criteria: Invitae Variant Classification Sherloc (09022015). Collection method: clinical testing. Allele origin: germline.
Comment: This variant has not been reported in the literature in individuals with BAP1-related conditions. This variant is not present in population databases (ExAC no frequency). This sequence change replaces isoleucine with valine at codon 210 of the BAP1 protein (p.Ile210Val). The isoleucine residue is highly conserved and there is a small physicochemical difference between isoleucine and valine. Algorithms developed to predict the effect of missense changes on protein structure and function are either unavailable or do not agree on the potential impact of this missense change (SIFT: "Tolerated"; PolyPhen-2: "Probably Damaging"; Align-GVGD: "Class C0"). In summary, the available evidence is currently insufficient to determine the role of this variant in disease. Therefore, it has been classified as a Variant of Uncertain Significance.